The following is an entry in ClinVar:

ClinVar aggregate classification (germline): Pathogenic (1 of 4 stars; one submission).

Conditions:
Charcot-Marie-Tooth disease type 2. Also called: Charcot-Marie-Tooth type 2. Identifiers: Orphanet 64746, MedGen C0270914, MONDO:0018993.

Submission:

Labcorp Genetics (formerly Invitae), Labcorp
Classification: Pathogenic for Charcot-Marie-Tooth disease type 2. Last evaluated: 2026-01-15. Review status: criteria provided, single submitter. Criteria: Invitae Variant Classification Sherloc (09022015). Collection method: clinical testing. Allele origin: germline.
Comment: This sequence change creates a premature translational stop signal (p.Asp192Metfs*9) in the LMNA gene. It is expected to result in an absent or disrupted protein product. Loss-of-function variants in LMNA are known to be pathogenic (PMID: 18585512, 18926329). This variant is not present in population databases (gnomAD no frequency). This variant has not been reported in the literature in individuals affected with LMNA-related conditions. ClinVar contains an entry for this variant (Variation ID: 3723269). For these reasons, this variant has been classified as Pathogenic.

Literature cited by the submitters: PubMed 18585512; PubMed 18926329.

NM_170707.4(LMNA):c.574del (p.Asp192fs)

Gene: LMNA (lamin A/C; plus strand). Cytogenetic location: 1q22.
Variant type: Deletion.
Coding change: c.574del on transcript NM_170707.4 (MANE Select); coding-DNA position 574, one base deleted (G; older notation c.574delG).
Protein change: p.Asp192fs; shifts the reading frame from aspartic acid 192.
Molecular consequence: frameshift variant. On other transcripts: 5 prime UTR variant (4).
Genome position (GRCh38, 1-based): chr1:156,134,463, G deleted; the last of 2 consecutive G bases (chr1:156,134,462-156,134,463); deleting either gives the same sequence. VCF-style (leftmost placement, unchanged base first): chr1-156134461-TG-T. GRCh37 (hg19) VCF-style: chr1-156104252-TG-T.
Other names: c.238del, p.Asp80fs (NM_001257374.3, NM_001406989.1, NM_001406998.1); c.331del, p.Asp111fs (NM_001282624.2, NM_001406986.1, NM_001406987.1); c.574del, p.Asp192fs (NM_001282625.2, NM_001282626.2, NM_001406983.1 and 6 more transcripts); c.277del, p.Asp93fs (NM_001406988.1); c.16del, p.Asp6fs (NM_001406990.1, NM_001406993.1, NM_001406995.1 and 4 more transcripts); c.-91del (NM_001406994.1, NM_001406999.1, NM_001407000.1 and 1 more transcripts); short protein forms D192fs, D6fs, D80fs, D111fs, D93fs.
Identifiers: ClinVar variation 3723269 (VCV003723269.2).